The following is an entry in ClinVar:

NM_000368.5(TSC1):c.1252C>A (p.Pro418Thr)

Gene: TSC1 (TSC complex subunit 1; minus strand). Cytogenetic location: 9q34.13.
Variant type: single nucleotide variant.
Coding change: c.1252C>A on transcript NM_000368.5 (MANE Select); coding-DNA position 1252, C replaced by A.
Protein change: p.Pro418Thr; replaces proline 418 with threonine.
Molecular consequence: missense variant.
Genome position (GRCh38, 1-based): chr9:132,910,582, G>T on the plus strand (C>A on the coding strand, the complement: TSC1 is on the minus strand). VCF-style: chr9-132910582-G-T. GRCh37 (hg19) VCF-style: chr9-135785969-G-T.
Other names: c.1252C>A (NM_000368.4); c.1249C>A, p.Pro417Thr (NM_001162426.2); c.1099C>A, p.Pro367Thr (NM_001162427.2); c.889C>A, p.Pro297Thr (NM_001362177.2); short protein forms P367T, P417T, P297T, P418T.
Identifiers: ClinVar variation 1038759 (VCV001038759.7), dbSNP rs1845895299, ClinGen allele CA375366754.

ClinVar aggregate classification (germline): Uncertain significance. Review status: criteria provided, multiple submitters, no conflicts (2 of 4 stars). 2 submissions from 2 submitters: Uncertain significance (2). Last evaluated 2026-07-07.

Conditions:
Tuberous sclerosis 1 (TSC1). Identifiers: Orphanet 805, MedGen C1854465, MONDO:0008612, OMIM 191100.
Hereditary cancer-predisposing syndrome. Also called: Tumor predisposition; Hereditary Cancer Syndrome; Hereditary neoplastic syndrome; Neoplastic Syndromes, Hereditary. Identifiers: Orphanet 140162, MedGen C0027672, MeSH D009386, MONDO:0015356.

Submissions (2):

Ambry Genetics
Classification: Uncertain significance for Hereditary cancer-predisposing syndrome. Last evaluated: 2026-07-07. Review status: criteria provided, single submitter. Criteria: Ambry Variant Classification Scheme 2023. Collection method: clinical testing. Allele origin: germline.
Comment: The p.P418T variant (also known as c.1252C>A), located in coding exon 10 of the TSC1 gene, results from a C to A substitution at nucleotide position 1252. The proline at codon 418 is replaced by threonine, an amino acid with highly similar properties. This amino acid position is conserved. In addition, this alteration is predicted to be tolerated by in silico analysis. Based on the available evidence, the clinical significance of this variant remains unclear.

Labcorp Genetics (formerly Invitae), Labcorp
Classification: Uncertain significance for Tuberous sclerosis 1. Last evaluated: 2021-08-26. Review status: criteria provided, single submitter. Criteria: Invitae Variant Classification Sherloc (09022015). Collection method: clinical testing. Allele origin: germline.
Comment: This sequence change replaces proline with threonine at codon 418 of the TSC1 protein (p.Pro418Thr). The proline residue is moderately conserved and there is a small physicochemical difference between proline and threonine. In summary, the available evidence is currently insufficient to determine the role of this variant in disease. Therefore, it has been classified as a Variant of Uncertain Significance. Algorithms developed to predict the effect of missense changes on protein structure and function (SIFT, PolyPhen-2, Align-GVGD) all suggest that this variant is likely to be tolerated. This variant has not been reported in the literature in individuals affected with TSC1-related conditions. This variant is not present in population databases (ExAC no frequency).